The following is an entry in ClinVar:

ClinVar aggregate classification (germline): Pathogenic/Likely pathogenic. Review status: criteria provided, multiple submitters, no conflicts (2 of 4 stars). 3 submissions from 3 submitters: Pathogenic (2); Likely pathogenic (1). Last evaluated 2025-10-13.

Conditions:
Leber congenital amaurosis 2 (LCA2). Also called: Autosomal Recessive RPE65-Related Retinal Degeneration; AMAUROSIS CONGENITA OF LEBER II. Identifiers: Orphanet 65, MedGen C1859844, MONDO:0008765, OMIM 204100. Disease mechanism: loss of function.
Retinitis pigmentosa 20 (RP20). Identifiers: Orphanet 791, MedGen C3151086, MONDO:0013425, OMIM 613794.
Leber congenital amaurosis (LCA). Also called: Leber's amaurosis. Identifiers: Orphanet 65, MedGen C0339527, MeSH D057130, MONDO:0018998.

Allele frequency attached by ClinVar (database versions not stated): gnomAD exomes below 0.00001.
gnomAD v4.1: 1 of 1,613,584 alleles (0.000062%); highest among the groups gnomAD compares: Non-Finnish European, 0.000085%; no homozygotes.

Submissions (3):

Labcorp Genetics (formerly Invitae), Labcorp
Classification: Pathogenic for Leber congenital amaurosis 2; Retinitis pigmentosa 20. Last evaluated: 2025-10-13. Review status: criteria provided, single submitter. Criteria: Invitae Variant Classification Sherloc (09022015). Collection method: clinical testing. Allele origin: germline.
Comment: This sequence change affects a donor splice site in intron 7 of the RPE65 gene. It is expected to disrupt RNA splicing. Variants that disrupt the donor or acceptor splice site typically lead to a loss of protein function (PMID: 16199547), and loss-of-function variants in RPE65 are known to be pathogenic (PMID: 9326941, 9501220, 9843205, 18632300). This variant is present in population databases (no rsID available, gnomAD 0.0009%). Disruption of this splice site has been observed in individuals with autosomal recessive RPE65-related conditions (PMID: 30268864, 31960602). ClinVar contains an entry for this variant (Variation ID: 1453840). Algorithms developed to predict the effect of sequence changes on RNA splicing suggest that this variant may disrupt the consensus splice site. For these reasons, this variant has been classified as Pathogenic.

Natera, Inc.
Classification: Pathogenic for Leber congenital amaurosis. Last evaluated: 2024-06-18. Review status: criteria provided, single submitter. Criteria: Natera Variant Classification Schema (03/2026). Collection method: clinical testing. Allele origin: germline.
Comment: The c.725+1G>A variant in RPE65 is a canonical splice donor site variant predicted to affect pre-mRNA splicing, which may result in an abnormal transcript and altered protein product. This variant is expected to result in nonsense mediated decay, truncation, or a dysfunctional protein product. This variant is rare in the general population with a frequency below the threshold expected for the associated phenotype(s). This variant has been observed in one or more individuals affected with the associated recessive disease, as either homozygous or compound heterozygous with a second variant (PMID: 35129589). Given the available evidence, this variant is classified as Pathogenic.

Baylor Genetics
Classification: Likely pathogenic for Leber congenital amaurosis 2. Last evaluated: 2023-12-26. Review status: criteria provided, single submitter. Criteria: ACMG Guidelines, 2015. Collection method: clinical testing. Allele origin: unknown.

Literature cited by the submitters: PubMed 16199547 (cited by Labcorp Genetics (formerly Invitae), Labcorp); PubMed 9326941 (cited by Labcorp Genetics (formerly Invitae), Labcorp); PubMed 9501220 (cited by Labcorp Genetics (formerly Invitae), Labcorp); PubMed 9843205 (cited by Labcorp Genetics (formerly Invitae), Labcorp); PubMed 18632300 (cited by Labcorp Genetics (formerly Invitae), Labcorp); PubMed 30268864 (cited by Labcorp Genetics (formerly Invitae), Labcorp); PubMed 31960602 (cited by Labcorp Genetics (formerly Invitae), Labcorp); PubMed 35129589 (cited by Natera, Inc.).

NM_000329.3(RPE65):c.725+1G>A

Gene: RPE65 (retinoid isomerohydrolase RPE65; minus strand). Cytogenetic location: 1p31.3.
Variant type: single nucleotide variant.
Coding change: c.725+1G>A on transcript NM_000329.3 (MANE Select); the canonical splice donor site of the intron after coding-DNA position 725, G replaced by A.
Molecular consequence: splice donor variant.
Genome position (GRCh38, 1-based): chr1:68,439,560, C>T on the plus strand (G>A on the coding strand, the complement: RPE65 is on the minus strand). VCF-style: chr1-68439560-C-T. GRCh37 (hg19) VCF-style: chr1-68905243-C-T.
Other names: c.449+1G>A (NM_001406857.1, NM_001406856.1); c.617+1G>A (NM_001406853.1); c.725+1G>A (NM_001406859.1, NM_000329.2).
Identifiers: ClinVar variation 1453840 (VCV001453840.11), dbSNP rs1260969698, ClinGen allele CA340745904.
Genomic context (GRCh38, chr1:68,439,560, plus strand): 5'-AGGCAAAGCAAATCTTTAAACTTGAGTTTTCCTGAAGATTCATAGCAGGCCTTCAAGTTA[C>T]CTATGAACGTAAGATGGCTTGAATCGGTCACTGCAGGGGAATTGTACAACGATCTCTGAC-3'